The following is an entry in ClinVar:

ClinVar aggregate classification (germline): Uncertain significance (1 of 4 stars; one submission).

Conditions:
Muscular dystrophy-dystroglycanopathy (congenital with impaired intellectual development), type B, 14. Also called: MUSCULAR DYSTROPHY, CONGENITAL, GMPPB-RELATED; Congenital muscular dystrophy-dystroglycanopathy with mental retardation, type B14; Muscular dystrophy-dystroglycanopathy (congenital with intellectual disability), type B14. Identifiers: MedGen C3809221, MONDO:0014141, OMIM 615351.
Muscular dystrophy-dystroglycanopathy (congenital with brain and eye anomalies), type A14. Also called: WALKER-WARBURG SYNDROME OR MUSCLE-EYE-BRAIN DISEASE, GMPPB-RELATED; Muscular dystrophy-dystroglycanopathy (congenital with brain and eye anomalies), type a, 14; Congenital Muscular Dystrophy-Dystroglycanopathy with Brain and Eye Anomalies Type A 14; Congenital muscular dystrophy-dystroglycanopathy with brain and eye anomalies, type A14. Identifiers: Orphanet 588, MedGen C3809216, MONDO:0014140, OMIM 615350.
Autosomal recessive limb-girdle muscular dystrophy type 2T. Also called: MUSCULAR DYSTROPHY-DYSTROGLYCANOPATHY, LIMB-GIRDLE, GMPPB-RELATED; MUSCULAR DYSTROPHY, LIMB-GIRDLE, TYPE 2T; Muscular dystrophy-dystroglycanopathy (limb-girdle), type c, 14; Limb-girdle muscular dystrophy-dystroglycanopathy, type C14. Identifiers: Orphanet 363623, MedGen C4518000, MONDO:0014142, OMIM 615352.

Allele frequency attached by ClinVar (database versions not stated): ExAC 0.00001; gnomAD exomes below 0.00001; TOPMed 0.00001.
gnomAD v4.1: 4 of 1,594,050 alleles (0.00025%); highest among the groups gnomAD compares: East Asian, 0.0022%; no homozygotes.

Submission:

Labcorp Genetics (formerly Invitae), Labcorp
Classification: Uncertain significance for Autosomal recessive limb-girdle muscular dystrophy type 2T; Muscular dystrophy-dystroglycanopathy (congenital with brain and eye anomalies), type A14; Muscular dystrophy-dystroglycanopathy (congenital with impaired intellectual development), type B, 14. Last evaluated: 2022-07-14. Review status: criteria provided, single submitter. Criteria: Invitae Variant Classification Sherloc (09022015). Collection method: clinical testing. Allele origin: germline.
Comment: In summary, the available evidence is currently insufficient to determine the role of this variant in disease. Therefore, it has been classified as a Variant of Uncertain Significance. Variants that disrupt the consensus splice site are a relatively common cause of aberrant splicing (PMID: 17576681, 9536098). Algorithms developed to predict the effect of sequence changes on RNA splicing suggest that this variant is not likely to affect RNA splicing. This variant has not been reported in the literature in individuals affected with GMPPB-related conditions. The frequency data for this variant in the population databases is considered unreliable, as metrics indicate poor data quality at this position in the gnomAD database. This sequence change falls in intron 1 of the GMPPB gene. It does not directly change the encoded amino acid sequence of the GMPPB protein. It affects a nucleotide within the consensus splice site.

Literature cited by the submitters: PubMed 17576681; PubMed 9536098.

NM_021971.4(GMPPB):c.129+3A>G

Gene: GMPPB (GDP-mannose pyrophosphorylase B; minus strand). Cytogenetic location: 3p21.31.
Variant type: single nucleotide variant.
Coding change: c.129+3A>G on transcript NM_021971.4 (MANE Select); 3 bases into the intron after coding-DNA position 129, A replaced by G.
Molecular consequence: intron variant.
Genome position (GRCh38, 1-based): chr3:49,723,595, T>C on the plus strand (A>G on the coding strand, the complement: GMPPB is on the minus strand). VCF-style: chr3-49723595-T-C. GRCh37 (hg19) VCF-style: chr3-49761028-T-C.
Other names: c.129+3A>G (NM_013334.4).
Identifiers: ClinVar variation 2046969 (VCV002046969.4), dbSNP rs769730706, ClinGen allele CA2405699.